The following is an entry in ClinVar:

ClinVar aggregate classification (germline): Uncertain significance (1 of 4 stars; one submission).

gnomAD v4.1: 1 of 1,225,998 alleles (0.000082%); highest among the groups gnomAD compares: South Asian, 0.0018%; no homozygotes.

Submission:

Labcorp Genetics (formerly Invitae), Labcorp
Classification: Uncertain significance. Last evaluated: 2022-11-18. Review status: criteria provided, single submitter. Criteria: Invitae Variant Classification Sherloc (09022015). Collection method: clinical testing. Allele origin: germline.
Comment: In summary, the available evidence is currently insufficient to determine the role of this variant in disease. Therefore, it has been classified as a Variant of Uncertain Significance. Algorithms developed to predict the effect of missense changes on protein structure and function output the following: SIFT: "Deleterious"; PolyPhen-2: "Benign"; Align-GVGD: "Class C0". The arginine amino acid residue is found in multiple mammalian species, which suggests that this missense change does not adversely affect protein function. This variant has not been reported in the literature in individuals affected with PACS2-related conditions. This variant is not present in population databases (gnomAD no frequency). This sequence change replaces proline, which is neutral and non-polar, with arginine, which is basic and polar, at codon 35 of the PACS2 protein (p.Pro35Arg).

NM_001100913.3(PACS2):c.104C>G (p.Pro35Arg)

Genes: BRF1 (BRF1 general transcription factor IIIB subunit; minus strand), PACS2 (phosphofurin acidic cluster sorting protein 2; plus strand), LOC130056677 (ATAC-STARR-seq lymphoblastoid silent region 6228; plus strand). Cytogenetic location: 14q32.33.
Variant type: single nucleotide variant.
Coding change: c.104C>G on transcript NM_001100913.3 (MANE Select); coding-DNA position 104, C replaced by G.
Protein change: p.Pro35Arg; replaces proline 35 with arginine.
Molecular consequence: missense variant. On other transcripts: intron variant (4).
Genome position (GRCh38, 1-based): chr14:105,315,022, C>G. VCF-style: chr14-105315022-C-G. GRCh37 (hg19) VCF-style: chr14-105781359-C-G.
Other names: c.104C>G, p.Pro35Arg (NM_015197.4); c.-162+300G>C (NM_001440451.1, NM_001242787.2, NM_001242786.2); c.-83+14043C>G (NM_001243127.3); short protein forms P35R.
Identifiers: ClinVar variation 2815133 (VCV002815133.3), dbSNP rs1431172087, ClinGen allele CA391191905.